The following is an entry in ClinVar:

ClinVar aggregate classification (germline): Pathogenic. Review status: criteria provided, multiple submitters, no conflicts (2 of 4 stars). 3 submissions from 3 submitters: Pathogenic (3). Last evaluated 2025-08-01.

Conditions:
Neurodevelopmental disorder with hypotonia, brain anomalies, distinctive facies, and absent language. Also called: ReNU SYNDROME; RNU4-2–Related Autosomal Dominant Neurodevelopmental Disorder; RNU4-2-Related Neurodevelopmental Disorder. Identifiers: Orphanet 686488, MedGen C5935628, MONDO:0971172, OMIM 620851.

Submissions (3):

CeGaT Center for Human Genetics Tuebingen
Classification: Pathogenic. Last evaluated: 2025-08-01. Review status: criteria provided, single submitter. Criteria: CeGaT Center For Human Genetics Tuebingen Variant Classification Criteria Version 2. Collection method: clinical testing. Allele origin: germline. Affected: yes. Observed: 1 variant allele.
Comment: RNU4-2: PS2, PM2, PS4:Moderate, PM1:Supporting, PP4

Undiagnosed Diseases Network, NIH
Classification: Pathogenic for Neurodevelopmental disorder with hypotonia, brain anomalies, distinctive facies, and absent language. Last evaluated: 2024-10-09. Review status: criteria provided, single submitter. Criteria: ACMG Guidelines, 2015. Collection method: clinical testing. Allele origin: de novo. Affected: yes. Observed: 1 heterozygote. Study: Undiagnosed Diseases Network (NIH), UDN.

Institute for Human Genetics, University Hospital Essen
Classification: Pathogenic for Neurodevelopmental disorder with hypotonia, brain anomalies, distinctive facies, and absent language. Last evaluated: 2005-03-05. Review status: criteria provided, single submitter. Criteria: ACMG Guidelines, 2015. Collection method: clinical testing. Allele origin: de novo. Inheritance: Autosomal dominant inheritance. Affected: yes.
Comment: PM2_supp, PS2, PS3, PS4_supp

NR_003137.3(RNU4-2):n.65A>G

Genes: RNU4-2 (RNA, U4 small nuclear 2; minus strand), SIRT4 (sirtuin 4; plus strand). Cytogenetic location: 12q24.23.
Variant type: single nucleotide variant.
Molecular consequence: non-coding transcript variant (on NR_003137.3).
Genome position: GRCh38 VCF-style: chr12-120291839-T-C. GRCh37 (hg19) VCF-style: chr12-120729642-T-C.
Identifiers: ClinVar variation 3384184 (VCV003384184.10).